The following is an entry in ClinVar:

NM_001330700.2(TOP2B):c.4514C>T (p.Pro1505Leu)

Gene: TOP2B (DNA topoisomerase II beta; minus strand). Cytogenetic location: 3p24.2.
Variant type: single nucleotide variant.
Coding change: c.4514C>T on transcript NM_001330700.2 (MANE Select); coding-DNA position 4514, C replaced by T.
Protein change: p.Pro1505Leu; replaces proline 1505 with leucine.
Molecular consequence: missense variant.
Genome position (GRCh38, 1-based): chr3:25,601,201, G>A on the plus strand (C>T on the coding strand, the complement: TOP2B is on the minus strand). VCF-style: chr3-25601201-G-A. GRCh37 (hg19) VCF-style: chr3-25642692-G-A.
Other names: c.4499C>T, p.Pro1500Leu (NM_001068.3); short protein forms P1500L, P1505L.
Identifiers: ClinVar variation 2772978 (VCV002772978.3), dbSNP rs1192587351, ClinGen allele CA351891219.

ClinVar aggregate classification (germline): Uncertain significance (1 of 4 stars; one submission).

Allele frequency attached by ClinVar (database versions not stated): gnomAD 0.00001.

Submission:

Labcorp Genetics (formerly Invitae), Labcorp
Classification: Uncertain significance. Last evaluated: 2024-03-01. Review status: criteria provided, single submitter. Criteria: Invitae Variant Classification Sherloc (09022015). Collection method: clinical testing. Allele origin: germline.
Comment: This sequence change replaces proline, which is neutral and non-polar, with leucine, which is neutral and non-polar, at codon 1500 of the TOP2B protein (p.Pro1500Leu). This variant is present in population databases (no rsID available, gnomAD 0.007%). This variant has not been reported in the literature in individuals affected with TOP2B-related conditions. An algorithm developed to predict the effect of missense changes on protein structure and function (PolyPhen-2) suggests that this variant is likely to be tolerated. In summary, the available evidence is currently insufficient to determine the role of this variant in disease. Therefore, it has been classified as a Variant of Uncertain Significance.